The following is an entry in ClinVar:

NM_001375883.1(GPR161):c.1281A>G (p.Arg427=)

Gene: GPR161 (G protein-coupled receptor 161; minus strand). Cytogenetic location: 1q24.2.
Variant type: single nucleotide variant.
Coding change: c.1281A>G on transcript NM_001375883.1 (MANE Select); coding-DNA position 1281, A replaced by G.
Protein change: p.Arg427=; no amino-acid change (arginine 427 retained).
Molecular consequence: synonymous variant.
Genome position (GRCh38, 1-based): chr1:168,087,628, T>C on the plus strand (A>G on the coding strand, the complement: GPR161 is on the minus strand). VCF-style: chr1-168087628-T-C. GRCh37 (hg19) VCF-style: chr1-168056866-T-C.
Other names: c.1341A>G, p.Arg447= (NM_001267609.1); c.1281A>G, p.Arg427= (NM_001267610.2, NM_001349632.1, NM_001349633.1 and 5 more transcripts); c.1332A>G, p.Arg444= (NM_001267611.1); c.885A>G, p.Arg295= (NM_001267612.2, NM_001349635.1); c.1047A>G, p.Arg349= (NM_001267613.1); c.939A>G, p.Arg313= (NM_001267614.1).
Identifiers: ClinVar variation 5039958 (VCV005039958.1).

ClinVar aggregate classification (germline): Likely benign (1 of 4 stars; one submission).

gnomAD v4.1: 7 of 1,614,102 alleles (0.00043%); highest among the groups gnomAD compares: African/African-American, 0.0013%; no homozygotes.

Submission:

CeGaT Center for Human Genetics Tuebingen
Classification: Likely benign. Last evaluated: 2026-08-01. Review status: criteria provided, single submitter. Criteria: CeGaT Center For Human Genetics Tuebingen Variant Classification Criteria Version 2. Collection method: clinical testing. Allele origin: germline. Affected: yes. Observed: 1 variant allele.
Comment: GPR161: BP4, BP7